The following is an entry in ClinVar:

NM_000282.4(PCCA):c.2117C>T (p.Thr706Met)

Gene: PCCA (propionyl-CoA carboxylase subunit alpha; plus strand). Cytogenetic location: 13q32.3.
Variant type: single nucleotide variant.
Coding change: c.2117C>T on transcript NM_000282.4 (MANE Select); coding-DNA position 2117, C replaced by T.
Protein change: p.Thr706Met; replaces threonine 706 with methionine.
Molecular consequence: missense variant. On other transcripts: non-coding transcript variant (5).
Genome position (GRCh38, 1-based): chr13:100,527,751, C>T. VCF-style: chr13-100527751-C-T. GRCh37 (hg19) VCF-style: chr13-101180005-C-T.
Other names: c.2039C>T, p.Thr680Met (NM_001127692.3); c.1976C>T, p.Thr659Met (NM_001178004.2); c.2063C>T, p.Thr688Met (NM_001352605.2); c.1973C>T, p.Thr658Met (NM_001352606.2); c.1898C>T, p.Thr633Met (NM_001352607.2); c.1895C>T, p.Thr632Met (NM_001352608.2); c.1172C>T, p.Thr391Met (NM_001352610.2); c.1118C>T, p.Thr373Met (NM_001352611.2); and 1 more; short protein forms T343M, T373M, T633M, T706M, T391M, T658M, T659M, T688M.
Identifiers: ClinVar variation 1967314 (VCV001967314.2), dbSNP rs148214257, ClinGen allele CA7033905.

ClinVar aggregate classification (germline): Uncertain significance (1 of 4 stars; one submission).

Conditions:
Propionic acidemia (PROP). Also called: GLYCINEMIA, KETOTIC; HYPERGLYCINEMIA WITH KETOACIDOSIS AND LEUKOPENIA; KETOTIC HYPERGLYCINEMIA. Identifiers: Orphanet 35, MedGen C0268579, MONDO:0011628, OMIM 606054, HP:0003571.

Allele frequency attached by ClinVar (database versions not stated): ExAC 0.00002; ESP Exome Variant Server 0.00008; TOPMed below 0.00001; gnomAD 0.00001; gnomAD exomes 0.00001.
gnomAD v4.1: 16 of 1,607,876 alleles (0.001%); highest among the groups gnomAD compares: Non-Finnish European, 0.0013%; no homozygotes.

Submission:

Labcorp Genetics (formerly Invitae), Labcorp
Classification: Uncertain significance for Propionic acidemia. Last evaluated: 2022-06-16. Review status: criteria provided, single submitter. Criteria: Invitae Variant Classification Sherloc (09022015). Collection method: clinical testing. Allele origin: germline.
Comment: This sequence change replaces threonine, which is neutral and polar, with methionine, which is neutral and non-polar, at codon 706 of the PCCA protein (p.Thr706Met). This variant is present in population databases (rs148214257, gnomAD 0.004%). This variant has not been reported in the literature in individuals affected with PCCA-related conditions. Algorithms developed to predict the effect of missense changes on protein structure and function are either unavailable or do not agree on the potential impact of this missense change (SIFT: "Deleterious"; PolyPhen-2: "Benign"; Align-GVGD: "Class C0"). In summary, the available evidence is currently insufficient to determine the role of this variant in disease. Therefore, it has been classified as a Variant of Uncertain Significance.